The following is an entry in ClinVar:

NM_006796.3(AFG3L2):c.2150_2151del (p.Thr717fs)

Gene: AFG3L2 (AFG3 like matrix AAA peptidase subunit 2; minus strand). Cytogenetic location: 18p11.21.
Variant type: Microsatellite.
Coding change: c.2150_2151del on transcript NM_006796.3 (MANE Select); coding-DNA positions 2150 to 2151, 2 bases deleted (CA; older notation c.2150_2151delCA).
Protein change: p.Thr717fs; shifts the reading frame from threonine 717.
Molecular consequence: frameshift variant.
Genome position (GRCh38, 1-based): chr18:12,337,365-12,337,366, TG deleted on the plus strand (CA on the coding strand, the reverse complement: AFG3L2 is on the minus strand); deleting any 2 consecutive bases within chr18:12,337,365-12,337,368 gives the same sequence; the c. name uses the placement nearest the transcript's 3' end. VCF-style (leftmost placement, unchanged base first): chr18-12337364-CTG-C. GRCh37 (hg19) VCF-style: chr18-12337363-CTG-C.
Other names: short protein forms T717fs.
Identifiers: ClinVar variation 4774506 (VCV004774506.1).

ClinVar aggregate classification (germline): Pathogenic (1 of 4 stars; one submission).

Submission:

Labcorp Genetics (formerly Invitae), Labcorp
Classification: Pathogenic. Last evaluated: 2025-10-06. Review status: criteria provided, single submitter. Criteria: Invitae Variant Classification Sherloc (09022015). Collection method: clinical testing. Allele origin: germline.
Comment: This sequence change creates a premature translational stop signal (p.Thr717Argfs*5) in the AFG3L2 gene. While this is not anticipated to result in nonsense mediated decay, it is expected to disrupt the last 81 amino acid(s) of the AFG3L2 protein. This variant is not present in population databases (gnomAD no frequency). This variant has not been reported in the literature in individuals affected with AFG3L2-related conditions. This variant disrupts a region of the AFG3L2 protein in which other variant(s) (p.Val723Met) have been determined to be pathogenic (PMID: 31111429, 34333379). This suggests that this is a clinically significant region of the protein, and that variants that disrupt it are likely to be disease-causing. For these reasons, this variant has been classified as Pathogenic.

Literature cited by the submitters: PubMed 31111429; PubMed 34333379.